The following is an entry in ClinVar:

NM_003073.5(SMARCB1):c.953A>G (p.Gln318Arg)

Gene: SMARCB1 (SWI/SNF related BAF chromatin remodeling complex subunit B1; plus strand). Cytogenetic location: 22q11.23.
Variant type: single nucleotide variant.
Coding change: c.953A>G on transcript NM_003073.5 (MANE Select); coding-DNA position 953, A replaced by G.
Protein change: p.Gln318Arg; replaces glutamine 318 with arginine.
Molecular consequence: missense variant.
Genome position (GRCh38, 1-based): chr22:23,825,382, A>G. VCF-style: chr22-23825382-A-G. GRCh37 (hg19) VCF-style: chr22-24167569-A-G.
Other names: c.926A>G, p.Gln309Arg (NM_001007468.3); c.980A>G, p.Gln327Arg (NM_001317946.2); c.1007A>G, p.Gln336Arg (NM_001362877.2); short protein forms Q309R, Q327R, Q318R, Q336R.
Identifiers: ClinVar variation 2831386 (VCV002831386.4), dbSNP rs2517724854, ClinGen allele CA410907854.

ClinVar aggregate classification (germline): Uncertain significance. Review status: criteria provided, multiple submitters, no conflicts (2 of 4 stars). 2 submissions from 2 submitters: Uncertain significance (2). Last evaluated 2026-07-06.

Conditions:
Hereditary cancer-predisposing syndrome. Also called: Hereditary Cancer Syndrome; Hereditary neoplastic syndrome; Neoplastic Syndromes, Hereditary; Tumor predisposition. Identifiers: Orphanet 140162, MedGen C0027672, MeSH D009386, MONDO:0015356.

Submissions (2):

Ambry Genetics
Classification: Uncertain significance for Hereditary cancer-predisposing syndrome. Last evaluated: 2026-07-06. Review status: criteria provided, single submitter. Criteria: Ambry Variant Classification Scheme 2023. Collection method: clinical testing. Allele origin: germline.
Comment: The p.Q318R variant (also known as c.953A>G), located in coding exon 7 of the SMARCB1 gene, results from an A to G substitution at nucleotide position 953. The glutamine at codon 318 is replaced by arginine, an amino acid with highly similar properties. This amino acid position is conserved. In addition, this alteration is predicted to be deleterious by in silico analysis. Based on the available evidence, the clinical significance of this variant remains unclear.

Labcorp Genetics (formerly Invitae), Labcorp
Classification: Uncertain significance. Last evaluated: 2023-01-24. Review status: criteria provided, single submitter. Criteria: Invitae Variant Classification Sherloc (09022015). Collection method: clinical testing. Allele origin: germline.
Comment: Advanced modeling of protein sequence and biophysical properties (such as structural, functional, and spatial information, amino acid conservation, physicochemical variation, residue mobility, and thermodynamic stability) performed at Invitae indicates that this missense variant is expected to disrupt SMARCB1 protein function. In summary, the available evidence is currently insufficient to determine the role of this variant in disease. Therefore, it has been classified as a Variant of Uncertain Significance. This variant has not been reported in the literature in individuals affected with SMARCB1-related conditions. This variant is not present in population databases (gnomAD no frequency). This sequence change replaces glutamine, which is neutral and polar, with arginine, which is basic and polar, at codon 318 of the SMARCB1 protein (p.Gln318Arg).